The following is an entry in ClinVar:

NM_004991.4(MECOM):c.2398A>G (p.Lys800Glu)

Gene: MECOM (MDS1 and EVI1 complex locus; minus strand). Cytogenetic location: 3q26.2.
Variant type: single nucleotide variant.
Coding change: c.2398A>G on transcript NM_004991.4 (MANE Select); coding-DNA position 2398, A replaced by G.
Protein change: p.Lys800Glu; replaces lysine 800 with glutamic acid.
Molecular consequence: missense variant.
Genome position (GRCh38, 1-based): chr3:169,115,474, T>C on the plus strand (A>G on the coding strand, the complement: MECOM is on the minus strand). VCF-style: chr3-169115474-T-C. GRCh37 (hg19) VCF-style: chr3-168833262-T-C.
Other names: c.2029A>G, p.Lys677Glu (NM_001105077.4); c.1834A>G, p.Lys612Glu (NM_001105078.4, NM_001164000.2, NM_001205194.2 and 4 more transcripts); c.1837A>G, p.Lys613Glu (NM_001163999.2, NM_001366467.2, NM_001366468.2 and 1 more transcripts); c.2398A>G, p.Lys800Glu (NM_001366466.2); c.1426A>G, p.Lys476Glu (NM_001366473.2); c.862A>G, p.Lys288Glu (NM_001366474.2); short protein forms K288E, K677E, K613E, K476E, K800E, K612E.
Identifiers: ClinVar variation 5024112 (VCV005024112.1).
Genomic context (GRCh38, chr3:169,115,474, plus strand): 5'-GTCTTGCATGCTGCAAGGAACCATCTGAAGCAGGTCTTGATTCGACGTTGCTTCCTTTTT[T>C]TCCCCCAAACACGTGGTTTTTTCGAGGCTCAGTCAGCTTTGTCCCACTGGCTCTACTCCT-3'
Protein context (NP_004982.2, residues 790-810): EPRKNHVFGG[Lys800Glu]KGSNVESRPA

ClinVar aggregate classification (germline): Uncertain significance (1 of 4 stars; one submission).

Conditions:
Inborn genetic diseases. Identifiers: MedGen C0950123, MeSH D030342.

gnomAD v4.1: 3 of 1,614,162 alleles (0.00019%); highest among the groups gnomAD compares: Admixed American, 0.0017%; no homozygotes.

Submission:

Ambry Genetics
Classification: Uncertain significance for Inborn genetic diseases. Last evaluated: 2026-06-20. Review status: criteria provided, single submitter. Criteria: Ambry Variant Classification Scheme 2023. Collection method: clinical testing. Allele origin: germline.
Comment: The p.K800E variant (also known as c.2398A>G), located in coding exon 8 of the MECOM gene, results from an A to G substitution at nucleotide position 2398. The lysine at codon 800 is replaced by glutamic acid, an amino acid with similar properties. This amino acid position is conserved. In addition, this alteration is predicted to be tolerated by in silico analysis. Based on the available evidence, the clinical significance of this variant remains unclear.